The following is an entry in ClinVar:

ClinVar aggregate classification (germline): Uncertain significance. Review status: criteria provided, multiple submitters, no conflicts (2 of 4 stars). 2 submissions from 2 submitters: Uncertain significance (2). Last evaluated 2024-11-22.

Conditions:
Microcephaly 5, primary, autosomal recessive (MCPH5). Also called: ASPM Primary Microcephaly. Identifiers: Orphanet 2512, MedGen C1837501, MONDO:0012106, OMIM 608716.

Allele frequency attached by ClinVar (database versions not stated): TOPMed 0.00006.
gnomAD v4.1: 5 of 1,610,242 alleles (0.00031%); highest among the groups gnomAD compares: African/African-American, 0.0054%; no homozygotes.

Submissions (2):

Labcorp Genetics (formerly Invitae), Labcorp
Classification: Uncertain significance. Last evaluated: 2024-11-22. Review status: criteria provided, single submitter. Criteria: Invitae Variant Classification Sherloc (09022015). Collection method: clinical testing. Allele origin: germline.
Comment: This sequence change replaces arginine, which is basic and polar, with proline, which is neutral and non-polar, at codon 1405 of the ASPM protein (p.Arg1405Pro). The frequency data for this variant in the population databases is considered unreliable, as metrics indicate poor data quality at this position in the gnomAD database. This variant has not been reported in the literature in individuals affected with ASPM-related conditions. ClinVar contains an entry for this variant (Variation ID: 294631). Invitae Evidence Modeling of protein sequence and biophysical properties (such as structural, functional, and spatial information, amino acid conservation, physicochemical variation, residue mobility, and thermodynamic stability) has been performed for this missense variant. However, the output from this modeling did not meet the statistical confidence thresholds required to predict the impact of this variant on ASPM protein function. In summary, the available evidence is currently insufficient to determine the role of this variant in disease. Therefore, it has been classified as a Variant of Uncertain Significance.

Illumina Laboratory Services, Illumina
Classification: Uncertain significance for Microcephaly 5, primary, autosomal recessive. Last evaluated: 2018-01-13. Review status: criteria provided, single submitter. Criteria: ICSL Variant Classification Criteria 13 December 2019. Collection method: clinical testing. Allele origin: germline.

NM_018136.5(ASPM):c.4214G>C (p.Arg1405Pro)

Gene: ASPM (assembly factor for spindle microtubules; minus strand). Cytogenetic location: 1q31.3.
Variant type: single nucleotide variant.
Coding change: c.4214G>C on transcript NM_018136.5 (MANE Select); coding-DNA position 4214, G replaced by C.
Protein change: p.Arg1405Pro; replaces arginine 1405 with proline.
Molecular consequence: missense variant. On other transcripts: intron variant (1).
Genome position (GRCh38, 1-based): chr1:197,105,037, C>G on the plus strand (G>C on the coding strand, the complement: ASPM is on the minus strand). VCF-style: chr1-197105037-C-G. GRCh37 (hg19) VCF-style: chr1-197074167-C-G.
Other names: c.4066-8873G>C (NM_001206846.2); short protein forms R1405P.
Identifiers: ClinVar variation 294631 (VCV000294631.7), dbSNP rs143092798, ClinGen allele CA10608712.
Genomic context (GRCh38, chr1:197,105,037, plus strand): 5'-AGAGTTGATGATTTTAGCATTTCATATCTTTGTTGATCTTGTTTTCTTCTTAAATAAGCA[C>G]GCCAATGCCTCTGAATTGTAACTGTAGCCCAAAGATATCGTTTATAAGATGTAACAGCAA-3'
Protein context (NP_060606.3, residues 1395-1415): WATVTIQRHW[Arg1405Pro]AYLRRKQDQQ